The following is an entry in ClinVar:

ClinVar aggregate classification (germline): Uncertain significance (1 of 4 stars; one submission).

Submission:

Labcorp Genetics (formerly Invitae), Labcorp
Classification: Uncertain significance. Last evaluated: 2025-06-11. Review status: criteria provided, single submitter. Criteria: Invitae Variant Classification Sherloc (09022015). Collection method: clinical testing. Allele origin: germline.
Comment: This sequence change replaces glycine, which is neutral and non-polar, with glutamic acid, which is acidic and polar, at codon 1243 of the COL11A2 protein (p.Gly1243Glu). This variant is not present in population databases (gnomAD no frequency). This variant has not been reported in the literature in individuals affected with COL11A2-related conditions. Invitae Evidence Modeling of protein sequence and biophysical properties (such as structural, functional, and spatial information, amino acid conservation, physicochemical variation, residue mobility, and thermodynamic stability) indicates that this missense variant is expected to disrupt COL11A2 protein function with a positive predictive value of 95%. In summary, the available evidence is currently insufficient to determine the role of this variant in disease. Therefore, it has been classified as a Variant of Uncertain Significance.

NM_080680.3(COL11A2):c.3728G>A (p.Gly1243Glu)

Gene: COL11A2 (collagen type XI alpha 2 chain; minus strand). Cytogenetic location: 6p21.32.
Variant type: single nucleotide variant.
Coding change: c.3728G>A on transcript NM_080680.3 (MANE Select); coding-DNA position 3728, G replaced by A.
Protein change: p.Gly1243Glu; replaces glycine 1243 with glutamic acid.
Molecular consequence: missense variant.
Genome position (GRCh38, 1-based): chr6:33,169,453, C>T on the plus strand (G>A on the coding strand, the complement: COL11A2 is on the minus strand). VCF-style: chr6-33169453-C-T. GRCh37 (hg19) VCF-style: chr6-33137230-C-T.
Other names: c.3548G>A, p.Gly1183Glu (NM_001424108.1); c.2882G>A, p.Gly961Glu (NM_001424109.1); c.2702G>A, p.Gly901Glu (NM_001424110.1, NM_001424111.1); c.1682G>A, p.Gly561Glu (NM_001424112.1); c.3407G>A, p.Gly1136Glu (NM_080679.3); c.3470G>A, p.Gly1157Glu (NM_080681.3); short protein forms G1136E, G1157E, G1183E, G1243E, G561E, G901E, G961E.
Identifiers: ClinVar variation 4801309 (VCV004801309.1).
Genomic context (GRCh38, chr6:33,169,453, plus strand): 5'-TTGGGGCCATCATCGCCTGTGGGGCCTTTAGGCCCTGGTGGCCCTGGCTCTCCTGGCTGC[C>T]CCGACTCTCCTTTCTCTCCACGTTCCCCGCGTGGACCCTGCAGAACAAGCGGAGGACACA-3'
Protein context (NP_542411.2, residues 1233-1253): RGERGEKGES[Gly1243Glu]QPGEPGPPGP